The following is an entry in ClinVar:

NC_000022.11:g.20041466_20075200del

Gene: TANGO2 (transport and golgi organization 2 homolog; plus strand). Cytogenetic location: 22q11.21.
Variant type: Deletion.
Identifiers: ClinVar variation 2500728 (VCV002500728.1).

ClinVar aggregate classification (germline): Pathogenic (1 of 4 stars; one submission).

Conditions:
Recurrent metabolic encephalomyopathic crises-rhabdomyolysis-cardiac arrhythmia-intellectual disability syndrome (MECRCN). Also called: METABOLIC CRISES, RECURRENT, WITH RHABDOMYOLYSIS, CARDIAC ARRHYTHMIAS, AND NEURODEGENERATION; TANGO2 Deficiency; Metabolic encephalomyopathic crises, recurrent, with rhabdomyolysis, cardiac arrhythmias, and neurodegeneration. Identifiers: Orphanet 480864, MedGen C5567524, MONDO:0018820, OMIM 616878.

Submission:

Victorian Clinical Genetics Services, Murdoch Childrens Research Institute
Classification: Pathogenic for Recurrent metabolic encephalomyopathic crises-rhabdomyolysis-cardiac arrhythmia-intellectual disability syndrome. Review status: criteria provided, single submitter. Criteria: ACMG Guidelines, 2015. Collection method: clinical testing. Allele origin: maternal. Affected: yes.
Comment: - Intragenic copy number variant resulting in the deletion of exons 3-9 (of 9) which is predicted to cause loss of function of the protein. - Other intragenic CNVs and NMD-predicted variants comparable to the one identified in this case have strong previous evidence for pathogenicity. These variants have been reported as pathogenic, and observed in individuals with metabolic encephalomyopathic crises, recurrent, with rhabdomyolysis, cardiac arrhythmias, and neurodegeneration (DECIPHER, PMID: 30245509). - This variant has strong previous evidence of pathogenicity in unrelated individuals. This variant has been reported as pathogenic, and observed in a homozygous or compound heterozygous state in individuals with recurrent muscle weakness, rhabdomyolysis, metabolic crisis and cardiac arrhythmia (ClinVar, PMID: 30245509, PMID: 26805781). - Very strong and specific phenotype match for this individual. Additional information: - Loss of function is a known mechanism of disease in this gene and is associated with metabolic encephalomyopathic crises, recurrent, with rhabdomyolysis, cardiac arrhythmias, and neurodegeneration (MIM#616878). - This gene is associated with autosomal recessive disease. - This variant is heterozygous. - Variant is present in gnomAD (sv2.1) <0.01 for a recessive condition (12 heterozygotes, 0 homozygotes).